The following is an entry in ClinVar:

ClinVar aggregate classification (germline): Uncertain significance (1 of 4 stars; one submission).

Allele frequency attached by ClinVar (database versions not stated): gnomAD exomes below 0.00001 and 0.00001.
gnomAD v4.1: 3 of 1,614,028 alleles (0.00019%); highest among the groups gnomAD compares: Admixed American, 0.005%; no homozygotes.

Submission:

Labcorp Genetics (formerly Invitae), Labcorp
Classification: Uncertain significance. Last evaluated: 2024-02-17. Review status: criteria provided, single submitter. Criteria: Invitae Variant Classification Sherloc (09022015). Collection method: clinical testing. Allele origin: germline.
Comment: This sequence change replaces glutamine, which is neutral and polar, with glutamic acid, which is acidic and polar, at codon 785 of the AGBL5 protein (p.Gln785Glu). This variant is present in population databases (no rsID available, gnomAD 0.003%). This variant has not been reported in the literature in individuals affected with AGBL5-related conditions. ClinVar contains an entry for this variant (Variation ID: 1043732). An algorithm developed to predict the effect of missense changes on protein structure and function (PolyPhen-2) suggests that this variant is likely to be disruptive. In summary, the available evidence is currently insufficient to determine the role of this variant in disease. Therefore, it has been classified as a Variant of Uncertain Significance.

NM_021831.6(AGBL5):c.2353C>G (p.Gln785Glu)

Gene: AGBL5 (AGBL carboxypeptidase 5; plus strand). Cytogenetic location: 2p23.3.
Variant type: single nucleotide variant.
Coding change: c.2353C>G on transcript NM_021831.6 (MANE Select); coding-DNA position 2353, C replaced by G.
Protein change: p.Gln785Glu; replaces glutamine 785 with glutamic acid.
Molecular consequence: missense variant. On other transcripts: non-coding transcript variant (2).
Genome position (GRCh38, 1-based): chr2:27,068,742, C>G. VCF-style: chr2-27068742-C-G. GRCh37 (hg19) VCF-style: chr2-27291610-C-G.
Other names: short protein forms Q785E.
Identifiers: ClinVar variation 1043732 (VCV001043732.6), dbSNP rs1164743809, ClinGen allele CA346141782.